The following is an entry in ClinVar:

ClinVar aggregate classification (germline): Uncertain significance (1 of 4 stars; one submission).

gnomAD v4.1: 1 of 1,614,168 alleles (0.000062%); highest among the groups gnomAD compares: Non-Finnish European, 0.000085%; no homozygotes.

Submission:

GeneDx
Classification: Uncertain significance. Last evaluated: 2026-02-07. Review status: criteria provided, single submitter. Criteria: GeneDx Variant Classification Process June 2021. Collection method: clinical testing. Allele origin: germline.
Comment: Not observed at significant frequency in large population cohorts (gnomAD); In silico analysis supports that this missense variant has a deleterious effect on protein structure/function; Has not been previously published as pathogenic or benign to our knowledge

NM_001354712.2(THRB):c.1265T>C (p.Leu422Pro)

Gene: THRB (thyroid hormone receptor beta; minus strand). Cytogenetic location: 3p24.2.
Variant type: single nucleotide variant.
Coding change: c.1265T>C on transcript NM_001354712.2 (MANE Select); coding-DNA position 1265, T replaced by C.
Protein change: p.Leu422Pro; replaces leucine 422 with proline.
Molecular consequence: missense variant.
Genome position (GRCh38, 1-based): chr3:24,123,005, A>G on the plus strand (T>C on the coding strand, the complement: THRB is on the minus strand). VCF-style: chr3-24123005-A-G. GRCh37 (hg19) VCF-style: chr3-24164496-A-G.
Other names: c.1265T>C, p.Leu422Pro (NM_000461.5, NM_001128176.3, NM_001128177.2 and 11 more transcripts); c.1172T>C, p.Leu391Pro (NM_001354714.2, NM_001354715.2); c.1094T>C, p.Leu365Pro (NM_001374827.1); short protein forms L365P, L391P, L422P.
Identifiers: ClinVar variation 4976392 (VCV004976392.1).